The following continues an entry in ClinVar:

NM_001370658.1(BTD):c.1552C>T (p.Arg518Cys)

Gene: BTD. ClinVar aggregate classification (germline): Pathogenic. Pathogenic (18).

Submissions 12 to 21 of 21:

Blueprint Genetics
Classification: Pathogenic for BTD-related disorders. Last evaluated: 2024-01-11. Review status: criteria provided, single submitter. Criteria: ACMG Guidelines, 2015. Collection method: clinical testing. Allele origin: germline. Affected: yes. Observed: 5 variant alleles.

Ambry Genetics
Classification: Pathogenic for Inborn genetic diseases. Last evaluated: 2023-05-30. Review status: criteria provided, single submitter. Criteria: Ambry Variant Classification Scheme 2023. Collection method: clinical testing. Allele origin: germline.
Comment: The c.1612C>T (p.R538C) alteration is located in exon 4 (coding exon 4) of the BTD gene. This alteration results from a C to T substitution at nucleotide position 1612, causing the arginine (R) at amino acid position 538 to be replaced by a cysteine (C). Based on data from gnomAD, the T allele has an overall frequency of 0.007% (20/272304) total alleles studied. The highest observed frequency was 0.014% (1/7044) of Other alleles. This alteration has been identified in the homozygous and compound heterozygous state in multiple unrelated patients with biotinidase deficiency (Pomponio, 1997; Mil&aacute;nkovics, 2007; Borsatto, 2014; Girard, 2017; Murry, 2018; Wolf, 2019; Maguolo, 2021; Forny, 2022). Additionally, other alterations at the same codon, c.1612C>A (p.R538S) and c.1613G>A (p.R538H), have been reported previously in the homozygous and compound heterozygous state in individuals with biotinidase deficiency (Sarafoglou, 2009; Cowan, 2012; Procter, 2016; Liu, 2018). This amino acid position is highly conserved in available vertebrate species. This alteration is predicted to be deleterious by in silico analysis. Based on the available evidence, this alteration is classified as pathogenic.

Women's Health and Genetics/Laboratory Corporation of America, LabCorp
Classification: Pathogenic for Biotinidase deficiency. Last evaluated: 2022-06-20. Review status: criteria provided, single submitter. Criteria: LabCorp Variant Classification Summary - May 2015. Collection method: clinical testing. Allele origin: germline.
Comment: Variant summary: BTD c.1552C>T (p.Arg518Cys) results in a non-conservative amino acid change in the encoded protein sequence. Five of five in-silico tools predict a damaging effect of the variant on protein function. The variant allele was found at a frequency of 7.5e-05 in 240906 control chromosomes. This frequency is not significantly higher than expected for a pathogenic variant in BTD causing Biotinidase Deficiency (7.5e-05 vs 0.0046), allowing no conclusion about variant significance. c.1552C>T has been reported in the literature in multiple individuals affected with Biotinidase Deficiency. These data indicate that the variant is very likely to be associated with disease. At least one publication reports experimental evidence evaluating an impact on protein function. The most pronounced variant effect results in <10% of normal activity. Nine clinical diagnostic laboratories have submitted clinical-significance assessments for this variant to ClinVar after 2014 without evidence for independent evaluation. All laboratories classified the variant as pathogenic/likely pathogenic. Based on the evidence outlined above, the variant was classified as pathogenic.

ARUP Laboratories, Molecular Genetics and Genomics, ARUP Laboratories
Classification: Pathogenic for Biotinidase deficiency. Last evaluated: 2021-07-23. Review status: criteria provided, single submitter. Criteria: ARUP Molecular Germline Variant Investigation Process 2021. Collection method: clinical testing. Allele origin: germline.
Comment: The BTD c.1612C>T; p.Arg538Cys variant (rs80338686) is the second most common pathogenic variant in the BTD gene and has been reported in both the homozygous and compound heterozygous states in multiple individuals with profound BTD deficiency (Murry 2018, Pomponio 1997). This variant is reported in ClinVar (Variation ID: 1898). It is found in the general population with an overall allele frequency of 0.007% (20/272304 alleles) in the Genome Aggregation Database. The arginine at codon 538 is highly conserved, and computational analyses (SIFT, PolyPhen-2) predict that this variant is deleterious. Based on available information, this variant is considered to be severely pathogenic. REFERENCES Murry JB et al. Reconciling newborn screening and a novel splice variant in BTD associated with partial biotinidase deficiency: a BabySeq Project case report. Cold Spring Harb Mol Case Stud. 2018 Aug 1;4(4). Pomponio RJ et al. Arg538 to Cys mutation in a CpG dinucleotide of the human biotinidase gene is the second most common cause of profound biotinidase deficiency in symptomatic children. Hum Genet. 1997 Apr;99(4):506-12.

Myriad Genetics, Inc.
Classification: Pathogenic for Biotinidase deficiency. Last evaluated: 2019-12-19. Review status: criteria provided, single submitter. Criteria: Myriad Women's Health Autosomal Recessive and X-Linked Classification Criteria (2019). Collection method: clinical testing. Allele origin: unknown.
Comment: NM_000060.2(BTD):c.1612C>T(R538C) is classified as pathogenic in the context of biotinidase deficiency. Sources cited for classification include the following: PMID 9099842 and 17185019. Classification of NM_000060.2(BTD):c.1612C>T(R538C) is based on the following criteria: This is a well-established pathogenic variant in the literature that has been observed more frequently in patients with clinical diagnoses than in healthy populations. Please note: this variant was assessed in the context of healthy population screening.

Laboratory for Molecular Medicine, Mass General Brigham Personalized Medicine
Classification: Pathogenic for Biotinidase deficiency. Last evaluated: 2016-09-02. Review status: criteria provided, single submitter. Criteria: LMM Criteria. Collection method: clinical testing. Allele origin: germline. Inheritance: Autosomal recessive inheritance. Observed: 2 variant alleles.
Comment: The p.Arg538Cys variant in BTD has been previously identified in at least 5 comp ound heterozygous and 2 homozygous individuals with severe biotinidase deficienc y and it is the second most common mutation in the biotinidase gene that causes profound biotinidase deficiency in symptomatic children. All these patients had no biotinyl transferase activity in their serum and <10% of mean normal biotiny l-hydrolase activity (Pomponio 1997). This variant has also been identified in 8 /114,620 of chromosomes by the Exome Aggregation Consortium (ExAC; dbSNP rs80338686); however, this frequency is low enough to b e consistent with a recessive carrier frequency. In summary, this variant meets criteria to be classified as pathogenic for biotinidase deficiency in an autoso mal recessive manner based upon case and allelic observations and functional evi dence.

Eurofins Ntd Llc (ga)
Classification: Pathogenic. Last evaluated: 2013-10-24. Review status: criteria provided, single submitter. Criteria: EGL Classification Definitions. Collection method: clinical testing. Allele origin: germline. Observed: 4 variant alleles, 4 heterozygotes.

Genetic Services Laboratory, University of Chicago
Classification: Pathogenic. Last evaluated: 2022-06-21. Review status: no assertion criteria provided. Collection method: clinical testing. Allele origin: germline. Affected: yes. Not counted in ClinVar's aggregate classification.
Comment: DNA sequence analysis of the BTD gene demonstrated a sequence change, c.1552C>T, in exon 4 that results in an amino acid change, p.Arg518Cys. This sequence change has previously been reported in the homozygous or compound heterozygous state in multiple individuals with biotinidase deficiency and has been found to co-segregate with disease in families (PMID: 9099842, 27207447). Homozygous individuals have been found to have no enzyme activity. This sequence change has been described in the gnomAD database with a frequency of 0.007% in the overall population (dbSNP rs80338686). The p.Arg518Cys change affects a highly conserved amino acid residue located in a domain of the BTD protein that is not known to be functional. The p.Arg518Cys amino acid change occurs in a region of the BTD gene where other missense sequence changes have been described in individuals with BTD-related disorders.

OMIM
Classification: Pathogenic for BIOTINIDASE DEFICIENCY. Last evaluated: 1997-04-01. Review status: no assertion criteria provided. Collection method: literature only. Allele origin: germline. Not counted in ClinVar's aggregate classification.

GeneReviews
No classification provided. Condition: Biotinidase deficiency. Review status: no classification provided. Collection method: literature only. Allele origin: unknown. Not counted in ClinVar's aggregate classification.

Literature cited by the submitters: PubMed 9099842 (cited by 12 submitters); PubMed 38141137 (cited by Dasa); PubMed 27207447 (cited by 4 submitters); PubMed 40171223 (cited by Dasa); PubMed 27657684 (cited by Labcorp Genetics (formerly Invitae), Labcorp and Quest Diagnostics Nichols Institute San Juan Capistrano); PubMed 22698809 (cited by 3 submitters); PubMed 19757147 (cited by 3 submitters); PubMed 38299772 (cited by Quest Diagnostics Nichols Institute San Juan Capistrano); PubMed 35265569 (cited by Quest Diagnostics Nichols Institute San Juan Capistrano); PubMed 88555 (cited by Quest Diagnostics Nichols Institute San Juan Capistrano); PubMed 11668630 (cited by Quest Diagnostics Nichols Institute San Juan Capistrano); PubMed 9158148 (cited by Quest Diagnostics Nichols Institute San Juan Capistrano); PubMed 22975760 (cited by Quest Diagnostics Nichols Institute San Juan Capistrano); PubMed 29728376 (cited by Quest Diagnostics Nichols Institute San Juan Capistrano and Ambry Genetics); PubMed 9654207 (cited by 3billion); PubMed 17185019 (cited by Ambry Genetics and Myriad Genetics, Inc.); PubMed 25174816 (cited by Ambry Genetics); PubMed 26810761 (cited by Ambry Genetics); PubMed 29359854 (cited by Ambry Genetics); PubMed 30551056 (cited by Ambry Genetics); PubMed 34136440 (cited by Ambry Genetics and Women's Health and Genetics/Laboratory Corporation of America, LabCorp); PubMed 35195902 (cited by Ambry Genetics); PubMed 20301497 (cited by GeneReviews); NCBI Bookshelf NBK1322 (cited by GeneReviews).